The following is an entry in ClinVar:

ClinVar aggregate classification (germline): Pathogenic/Likely pathogenic. Review status: criteria provided, multiple submitters, no conflicts (2 of 4 stars). 2 submissions from 2 submitters: Pathogenic (1); Likely pathogenic (1). Last evaluated 2022-09-07.

Conditions:
ABCA4-related disorder. Also called: ABCA4-related disorders; ABCA4-related condition. Identifiers: MedGen CN239167.

Allele frequency attached by ClinVar (database versions not stated): gnomAD exomes below 0.00001.
gnomAD v4.1: 1 of 1,614,140 alleles (0.000062%); highest among the groups gnomAD compares: Non-Finnish European, 0.000085%; no homozygotes.

Submissions (2):

Labcorp Genetics (formerly Invitae), Labcorp
Classification: Pathogenic. Last evaluated: 2022-09-07. Review status: criteria provided, single submitter. Criteria: Invitae Variant Classification Sherloc (09022015). Collection method: clinical testing. Allele origin: germline.
Comment: For these reasons, this variant has been classified as Pathogenic. Advanced modeling of protein sequence and biophysical properties (such as structural, functional, and spatial information, amino acid conservation, physicochemical variation, residue mobility, and thermodynamic stability) performed at Invitae indicates that this missense variant is expected to disrupt ABCA4 protein function. ClinVar contains an entry for this variant (Variation ID: 1457706). This missense change has been observed in individual(s) with Stargardt disease (PMID: 26593885, 29925512). This variant is not present in population databases (gnomAD no frequency). This sequence change replaces glutamic acid, which is acidic and polar, with glycine, which is neutral and non-polar, at codon 341 of the ABCA4 protein (p.Glu341Gly).

Blueprint Genetics
Classification: Likely pathogenic for ABCA4-related disorders. Last evaluated: 2020-10-19. Review status: criteria provided, single submitter. Criteria: ACMG Guidelines, 2015. Collection method: clinical testing. Allele origin: germline. Affected: yes. Observed: 1 variant allele.

Literature cited by the submitters: PubMed 26593885 (cited by Labcorp Genetics (formerly Invitae), Labcorp); PubMed 29925512 (cited by Labcorp Genetics (formerly Invitae), Labcorp).

NM_000350.3(ABCA4):c.1022A>G (p.Glu341Gly)

Gene: ABCA4 (ATP binding cassette subfamily A member 4; minus strand). Cytogenetic location: 1p22.1.
Variant type: single nucleotide variant.
Coding change: c.1022A>G on transcript NM_000350.3 (MANE Select); coding-DNA position 1022, A replaced by G.
Protein change: p.Glu341Gly; replaces glutamic acid 341 with glycine.
Molecular consequence: missense variant.
Genome position (GRCh38, 1-based): chr1:94,080,555, T>C on the plus strand (A>G on the coding strand, the complement: ABCA4 is on the minus strand). VCF-style: chr1-94080555-T-C. GRCh37 (hg19) VCF-style: chr1-94546111-T-C.
Other names: c.1022A>G, p.Glu341Gly (NM_001425324.1); short protein forms E341G.
Identifiers: ClinVar variation 1457706 (VCV001457706.7), dbSNP rs2101106686, ClinGen allele CA341284113.